The following is an entry in ClinVar:

ClinVar aggregate classification (germline): Uncertain significance (1 of 4 stars; one submission).

Conditions:
Neurofibromatosis, type 1 (NF1). Also called: Peripheral type neurofibromatosis; VON RECKLINGHAUSEN DISEASE; Neurofibromatosis, type I; NEUROFIBROMATOSIS, TYPE I, SOMATIC. Identifiers: Orphanet 636, MedGen C0027831, MONDO:0018975, OMIM 162200. Disease mechanism: loss of function.

gnomAD v4.1: 1 of 1,612,396 alleles (0.000062%); no homozygotes.

Submission:

Labcorp Genetics (formerly Invitae), Labcorp
Classification: Uncertain significance for Neurofibromatosis, type 1. Last evaluated: 2025-12-03. Review status: criteria provided, single submitter. Criteria: Invitae Variant Classification Sherloc (09022015). Collection method: clinical testing. Allele origin: germline.
Comment: This sequence change replaces arginine, which is basic and polar, with leucine, which is neutral and non-polar, at codon 873 of the NF1 protein (p.Arg873Leu). This variant is not present in population databases (gnomAD no frequency). This variant has not been reported in the literature in individuals affected with NF1-related conditions. ClinVar contains an entry for this variant (Variation ID: 846726). Invitae Evidence Modeling of protein sequence and biophysical properties (such as structural, functional, and spatial information, amino acid conservation, physicochemical variation, residue mobility, and thermodynamic stability) indicates that this missense variant is expected to disrupt NF1 protein function with a positive predictive value of 95%. In summary, the available evidence is currently insufficient to determine the role of this variant in disease. Therefore, it has been classified as a Variant of Uncertain Significance.

NM_001042492.3(NF1):c.2618G>T (p.Arg873Leu)

Gene: NF1 (neurofibromin 1; plus strand). Cytogenetic location: 17q11.2.
Variant type: single nucleotide variant.
Coding change: c.2618G>T on transcript NM_001042492.3 (MANE Select); coding-DNA position 2618, G replaced by T.
Protein change: p.Arg873Leu; replaces arginine 873 with leucine.
Molecular consequence: missense variant.
Genome position (GRCh38, 1-based): chr17:31,229,233, G>T. VCF-style: chr17-31229233-G-T. GRCh37 (hg19) VCF-style: chr17-29556251-G-T.
Other names: c.2618G>T, p.Arg873Leu (NM_000267.4); short protein forms R873L.
Identifiers: ClinVar variation 846726 (VCV000846726.5), dbSNP rs949092641, ClinGen allele CA398984500.